The following is an entry in ClinVar:

NM_001172509.2(SATB2):c.797A>G (p.Lys266Arg)

Gene: SATB2 (SATB homeobox 2; minus strand). Cytogenetic location: 2q33.1.
Variant type: single nucleotide variant.
Coding change: c.797A>G on transcript NM_001172509.2 (MANE Select); coding-DNA position 797, A replaced by G.
Protein change: p.Lys266Arg; replaces lysine 266 with arginine.
Molecular consequence: missense variant.
Genome position (GRCh38, 1-based): chr2:199,349,077, T>C on the plus strand (A>G on the coding strand, the complement: SATB2 is on the minus strand). VCF-style: chr2-199349077-T-C. GRCh37 (hg19) VCF-style: chr2-200213800-T-C.
Other names: c.797A>G, p.Lys266Arg (NM_001172517.1, NM_015265.4); short protein forms K266R.
Identifiers: ClinVar variation 1302310 (VCV001302310.2), dbSNP rs1364150345, ClinGen allele CA350388120.

ClinVar aggregate classification (germline): Uncertain significance (1 of 4 stars; one submission).

Allele frequency attached by ClinVar (database versions not stated): gnomAD exomes below 0.00001; TOPMed below 0.00001.
gnomAD v4.1: 2 of 1,614,112 alleles (0.00012%); highest among the groups gnomAD compares: Middle Eastern, 0.017%; no homozygotes.

Submission:

GeneDx
Classification: Uncertain significance. Last evaluated: 2019-06-27. Review status: criteria provided, single submitter. Criteria: GeneDx Variant Classification Process June 2021. Collection method: clinical testing. Allele origin: germline. Affected: yes.
Comment: In silico analysis, which includes protein predictors and evolutionary conservation, supports that this variant does not alter protein structure/function; Has not been previously published as pathogenic or benign to our knowledge